The following is an entry in ClinVar:

ClinVar aggregate classification (germline): Uncertain significance (1 of 4 stars; one submission).

gnomAD v4.1: 29 of 1,614,018 alleles (0.0018%); highest among the groups gnomAD compares: Non-Finnish European, 0.0024%; no homozygotes.

Submission:

GeneDx
Classification: Uncertain significance. Last evaluated: 2025-05-25. Review status: criteria provided, single submitter. Criteria: GeneDx Variant Classification Process June 2021. Collection method: clinical testing. Allele origin: germline. Affected: yes.
Comment: In silico analysis supports that this missense variant has a deleterious effect on protein structure/function; Has not been previously published as pathogenic or benign to our knowledge

NM_001061.7(TBXAS1):c.1214C>T (p.Pro405Leu)

Gene: TBXAS1 (thromboxane A synthase 1; plus strand). Cytogenetic location: 7q34.
Variant type: single nucleotide variant.
Coding change: c.1214C>T on transcript NM_001061.7 (MANE Select); coding-DNA position 1214, C replaced by T.
Protein change: p.Pro405Leu; replaces proline 405 with leucine.
Molecular consequence: missense variant.
Genome position (GRCh38, 1-based): chr7:140,007,170, C>T. VCF-style: chr7-140007170-C-T. GRCh37 (hg19) VCF-style: chr7-139706970-C-T.
Other names: c.1214C>T, p.Pro405Leu (NM_001130966.5, NM_030984.6); c.1352C>T, p.Pro451Leu (NM_001166253.4); c.1013C>T, p.Pro338Leu (NM_001166254.4); c.1157C>T, p.Pro386Leu (NM_001314028.4); c.1031C>T, p.Pro344Leu (NM_001366537.3); short protein forms P338L, P344L, P386L, P405L, P406L, P451L, P452L.
Identifiers: ClinVar variation 4532432 (VCV004532432.1).